The following is an entry in ClinVar:

NM_014619.5(GRIK4):c.83-10039T>C

Gene: GRIK4 (glutamate ionotropic receptor kainate type subunit 4; plus strand). Cytogenetic location: 11q23.3.
Variant type: single nucleotide variant.
Coding change: c.83-10039T>C on transcript NM_014619.5 (MANE Select); 10039 bases into the intron before coding-DNA position 83, T replaced by C.
Molecular consequence: intron variant.
Genome position (GRCh38, 1-based): chr11:120,792,654, T>C. VCF-style: chr11-120792654-T-C. GRCh37 (hg19) VCF-style: chr11-120663363-T-C.
Other names: c.83-10039T>C (NM_001282470.2, NM_001282470.3, NM_001282473.3).
Identifiers: ClinVar variation 225967 (VCV000225967.3), dbSNP rs1954787, ClinGen allele CA10576199.

ClinVar aggregate classification (germline): Benign (1 of 4 stars; one submission).

Allele frequency attached by ClinVar (database versions not stated): gnomAD 0.45721 and 0.44471; 1000 Genomes Project 0.50220; TOPMed 0.45657; 1000 Genomes Project 30x 0.49282.
gnomAD v4.1: 69,573 of 151,946 alleles (46%); highest among the groups gnomAD compares: East Asian, 84%; 18,642 homozygotes.

Submission:

GeneDx
Classification: Benign. Last evaluated: 2018-03-09. Review status: criteria provided, single submitter. Criteria: GeneDx Variant Classification (06012015). Collection method: clinical testing. Allele origin: germline. Affected: yes.
Comment: This variant is considered likely benign or benign based on one or more of the following criteria: it is a conservative change, it occurs at a poorly conserved position in the protein, it is predicted to be benign by multiple in silico algorithms, and/or has population frequency not consistent with disease.